The following is an entry in ClinVar:

NM_001122681.2(SH3BP2):c.1450C>G (p.Leu484Val)

Gene: SH3BP2 (SH3 domain binding protein 2; plus strand). Cytogenetic location: 4p16.3.
Variant type: single nucleotide variant.
Coding change: c.1450C>G on transcript NM_001122681.2 (MANE Select); coding-DNA position 1450, C replaced by G.
Protein change: p.Leu484Val; replaces leucine 484 with valine.
Molecular consequence: missense variant.
Genome position (GRCh38, 1-based): chr4:2,832,374, C>G. VCF-style: chr4-2832374-C-G. GRCh37 (hg19) VCF-style: chr4-2834101-C-G.
Other names: c.1534C>G, p.Leu512Val (NM_001145855.2); c.1621C>G, p.Leu541Val (NM_001145856.2); c.1450C>G, p.Leu484Val (NM_003023.4); short protein forms L484V, L512V, L541V.
Identifiers: ClinVar variation 1438500 (VCV001438500.6), dbSNP rs2108742062, ClinGen allele CA356058780.

ClinVar aggregate classification (germline): Uncertain significance (1 of 4 stars; one submission).

Conditions:
Fibrous dysplasia of jaw (CRBM). Also called: Cherubism. Identifiers: Orphanet 184, MedGen C0008029, MONDO:0007315, OMIM 118400.

Allele frequency attached by ClinVar (database versions not stated): gnomAD exomes below 0.00001.
gnomAD v4.1: 1 of 1,614,126 alleles (0.000062%); highest among the groups gnomAD compares: Non-Finnish European, 0.000085%; no homozygotes.

Submission:

Labcorp Genetics (formerly Invitae), Labcorp
Classification: Uncertain significance for Fibrous dysplasia of jaw. Last evaluated: 2024-11-27. Review status: criteria provided, single submitter. Criteria: Invitae Variant Classification Sherloc (09022015). Collection method: clinical testing. Allele origin: germline.
Comment: This sequence change replaces leucine, which is neutral and non-polar, with valine, which is neutral and non-polar, at codon 484 of the SH3BP2 protein (p.Leu484Val). This variant is not present in population databases (gnomAD no frequency). This variant has not been reported in the literature in individuals affected with SH3BP2-related conditions. ClinVar contains an entry for this variant (Variation ID: 1438500). Invitae Evidence Modeling of protein sequence and biophysical properties (such as structural, functional, and spatial information, amino acid conservation, physicochemical variation, residue mobility, and thermodynamic stability) indicates that this missense variant is not expected to disrupt SH3BP2 protein function with a negative predictive value of 95%. In summary, the available evidence is currently insufficient to determine the role of this variant in disease. Therefore, it has been classified as a Variant of Uncertain Significance.